The following is an entry in ClinVar:

ClinVar aggregate classification (germline): Likely benign. Review status: criteria provided, multiple submitters, no conflicts (2 of 4 stars). 2 submissions from 2 submitters: Likely benign (2). Last evaluated 2023-03-01.

Conditions:
Amelocerebrohypohidrotic syndrome (KTZS). Also called: EPILEPSY AND YELLOW TEETH; EPILEPSY, DEMENTIA, AND AMELOGENESIS IMPERFECTA; KOHLSCHUTTER SYNDROME; Kohlschutter's syndrome. Identifiers: Orphanet 1946, MedGen C0406740, MONDO:0009185, OMIM 226750.

Allele frequency attached by ClinVar (database versions not stated): gnomAD exomes below 0.00001; TOPMed 0.00002; gnomAD 0.00003; ESP Exome Variant Server 0.00008.
gnomAD v4.1: 7 of 1,606,106 alleles (0.00044%); highest among the groups gnomAD compares: Non-Finnish European, 0.00059%; no homozygotes.

Submissions (2):

CeGaT Center for Human Genetics Tuebingen
Classification: Likely benign. Last evaluated: 2023-03-01. Review status: criteria provided, single submitter. Criteria: CeGaT Center For Human Genetics Tuebingen Variant Classification Criteria Version 2. Collection method: clinical testing. Allele origin: germline. Affected: yes. Observed: 1 variant allele.
Comment: ROGDI: BP4, BP7

Labcorp Genetics (formerly Invitae), Labcorp
Classification: Likely benign for Amelocerebrohypohidrotic syndrome. Last evaluated: 2021-05-20. Review status: criteria provided, single submitter. Criteria: Invitae Variant Classification Sherloc (09022015). Collection method: clinical testing. Allele origin: germline.

NM_024589.3(ROGDI):c.187C>T (p.Leu63=)

Gene: ROGDI (rogdi atypical leucine zipper; minus strand). Cytogenetic location: 16p13.3.
Variant type: single nucleotide variant.
Coding change: c.187C>T on transcript NM_024589.3 (MANE Select); coding-DNA position 187, C replaced by T.
Protein change: p.Leu63=; no amino-acid change (leucine 63 retained).
Molecular consequence: synonymous variant. On other transcripts: non-coding transcript variant (1).
Genome position (GRCh38, 1-based): chr16:4,801,516, G>A on the plus strand (C>T on the coding strand, the complement: ROGDI is on the minus strand). VCF-style: chr16-4801516-G-A. GRCh37 (hg19) VCF-style: chr16-4851517-G-A.
Identifiers: ClinVar variation 1624638 (VCV001624638.31), dbSNP rs372790777, ClinGen allele CA277141640.